The following is an entry in ClinVar:

ClinVar aggregate classification (germline): Likely benign (1 of 4 stars; one submission).

Conditions:
Lynch syndrome 5 (LYNCH5). Also called: Colorectal cancer, hereditary nonpolyposis, type 5; Hereditary non-polyposis colorectal cancer, type 5. Identifiers: Orphanet 144, MedGen C1833477, MONDO:0013710, OMIM 614350. Disease mechanism: loss of function.

Submission:

Myriad Genetics, Inc.
Classification: Likely benign for Lynch syndrome 5. Last evaluated: 2024-12-18. Review status: criteria provided, single submitter. Criteria: Myriad Autosomal Dominant, Autosomal Recessive and X-Linked Classification Criteria (2023). Collection method: clinical testing. Allele origin: unknown.
Comment: This variant is considered likely benign. This variant is intronic and is not expected to impact mRNA splicing.

NM_000179.3(MSH6):c.261-6C>T

Gene: MSH6 (mutS homolog 6; plus strand). Cytogenetic location: 2p16.3.
Variant type: single nucleotide variant.
Coding change: c.261-6C>T on transcript NM_000179.3 (MANE Select); 6 bases into the intron before coding-DNA position 261, C replaced by T.
Molecular consequence: intron variant. On other transcripts: 5 prime UTR variant (1).
Genome position (GRCh38, 1-based): chr2:47,790,921, C>T. VCF-style: chr2-47790921-C-T. GRCh37 (hg19) VCF-style: chr2-48018060-C-T.
Other names: c.-43C>T (NM_001406830.1); c.261-6C>T (NM_001406809.1, NM_001406796.1, NM_001406813.1 and 6 more transcripts); c.-476-6C>T (NM_001406811.1, NM_001281493.2, NM_001406829.1 and 1 more transcripts); c.-37-6C>T (NM_001406805.1, NM_001406797.1, NM_001406801.1 and 9 more transcripts); c.357-6C>T (NM_001406795.1, NM_001406802.1); c.-668-6C>T (NM_001406807.1); c.-734-6C>T (NM_001406814.1); c.-323-6C>T (NM_001406812.1); and 7 more.
Identifiers: ClinVar variation 3903843 (VCV003903843.1).